The following is an entry in ClinVar:

ClinVar aggregate classification (germline): Pathogenic (1 of 4 stars; one submission).

Submission:

Labcorp Genetics (formerly Invitae), Labcorp
Classification: Pathogenic. Last evaluated: 2024-02-26. Review status: criteria provided, single submitter. Criteria: Invitae Variant Classification Sherloc (09022015). Collection method: clinical testing. Allele origin: germline.
Comment: This sequence change creates a premature translational stop signal (p.Ala151Hisfs*8) in the TBCE gene. It is expected to result in an absent or disrupted protein product. Loss-of-function variants in TBCE are known to be pathogenic (PMID: 27666369, 34134906, 34356170). This variant is not present in population databases (gnomAD no frequency). This variant has not been reported in the literature in individuals affected with TBCE-related conditions. Algorithms developed to predict the effect of sequence changes on RNA splicing suggest that this variant may disrupt the consensus splice site. For these reasons, this variant has been classified as Pathogenic.

Literature cited by the submitters: PubMed 27666369; PubMed 34134906; PubMed 34356170.

NM_003193.5(TBCE):c.450del (p.Ala151fs)

Gene: TBCE (tubulin folding cofactor E; plus strand). Cytogenetic location: 1q42.3.
Variant type: Deletion.
Coding change: c.450del on transcript NM_003193.5 (MANE Select); coding-DNA position 450, one base deleted (A; older notation c.450delA).
Protein change: p.Ala151fs; shifts the reading frame from alanine 151.
Molecular consequence: frameshift variant.
Genome position (GRCh38, 1-based): chr1:235,419,551, A deleted; the last of 2 consecutive A bases (chr1:235,419,550-235,419,551); deleting either gives the same sequence. VCF-style (leftmost placement, unchanged base first): chr1-235419549-GA-G. GRCh37 (hg19) VCF-style: chr1-235582864-GA-G.
Other names: c.450del, p.Ala151fs (NM_001079515.3, NM_001287801.2); c.111del, p.Ala38fs (NM_001287802.2); short protein forms A38fs, A151fs.
Identifiers: ClinVar variation 3643427 (VCV003643427.2).